The following is an entry in ClinVar:

NM_001018113.3(FANCB):c.1168G>T (p.Val390Leu)

Gene: FANCB (FA complementation group B; minus strand). Cytogenetic location: Xp22.2.
Variant type: single nucleotide variant.
Coding change: c.1168G>T on transcript NM_001018113.3 (MANE Select); coding-DNA position 1168, G replaced by T.
Protein change: p.Val390Leu; replaces valine 390 with leucine.
Molecular consequence: missense variant.
Genome position (GRCh38, 1-based): chrX:14,857,891, C>A on the plus strand (G>T on the coding strand, the complement: FANCB is on the minus strand). VCF-style: chrX-14857891-C-A. GRCh37 (hg19) VCF-style: chrX-14876013-C-A.
Other names: c.1168G>T, p.Val390Leu (NM_001324162.2, NM_001410764.1, NM_152633.4); c.1168G>T (NM_001018113.2); short protein forms V390L.
Identifiers: ClinVar variation 3668724 (VCV003668724.4).

ClinVar aggregate classification (germline): Conflicting classifications of pathogenicity. Review status: criteria provided, conflicting classifications (1 of 4 stars). 3 submissions from 3 submitters: Uncertain significance (2); Likely benign (1). Last evaluated 2025-09-11.

Conditions:
FANCB-related disorder. Also called: FANCB-related condition.
Inborn genetic diseases. Identifiers: MedGen C0950123, MeSH D030342.
Fanconi anemia (FA). Also called: Fanconi's anemia. Identifiers: Orphanet 84, MedGen C0015625, MeSH D005199, MONDO:0019391.

Submissions (3):

Ambry Genetics
Classification: Uncertain significance for Inborn genetic diseases. Last evaluated: 2025-09-11. Review status: criteria provided, single submitter. Criteria: Ambry Variant Classification Scheme 2023. Collection method: clinical testing. Allele origin: germline.

Labcorp Genetics (formerly Invitae), Labcorp
Classification: Uncertain significance for Fanconi anemia. Last evaluated: 2024-12-04. Review status: criteria provided, single submitter. Criteria: Invitae Variant Classification Sherloc (09022015). Collection method: clinical testing. Allele origin: germline.
Comment: This sequence change replaces valine, which is neutral and non-polar, with leucine, which is neutral and non-polar, at codon 390 of the FANCB protein (p.Val390Leu). This variant is present in population databases (no rsID available, gnomAD 0.01%), including at least one homozygous and/or hemizygous individual. This variant has not been reported in the literature in individuals affected with FANCB-related conditions. Invitae Evidence Modeling of protein sequence and biophysical properties (such as structural, functional, and spatial information, amino acid conservation, physicochemical variation, residue mobility, and thermodynamic stability) indicates that this missense variant is not expected to disrupt FANCB protein function with a negative predictive value of 80%. In summary, the available evidence is currently insufficient to determine the role of this variant in disease. Therefore, it has been classified as a Variant of Uncertain Significance.

PreventionGenetics, part of Exact Sciences
Classification: Likely benign for FANCB-related condition. Last evaluated: 2024-10-28. Review status: criteria provided, single submitter. Criteria: ACMG Guidelines, 2015. Collection method: clinical testing. Allele origin: germline.
Comment: This variant is classified as likely benign based on ACMG/AMP sequence variant interpretation guidelines (Richards et al. 2015 PMID: 25741868, with internal and published modifications).